The following is an entry in ClinVar:

ClinVar aggregate classification (germline): Uncertain significance. Review status: criteria provided, multiple submitters, no conflicts (2 of 4 stars). 2 submissions from 2 submitters: Uncertain significance (2). Last evaluated 2025-08-16.

Conditions:
Brugada syndrome 8 (BRGDA8). Identifiers: Orphanet 130, MedGen C2751083, MONDO:0013148, OMIM 613123.
Epilepsy, idiopathic generalized, susceptibility to, 18. Identifiers: MedGen C5561983, MONDO:0030434, OMIM 619521.
Sick sinus syndrome 2, autosomal dominant (SSS2). Also called: ATRIAL FIBRILLATION WITH BRADYARRHYTHMIA; SICK SINUS SYNDROME 2; SICK SINUS SYNDROME 2 WITH OR WITHOUT CARDIAC NONCOMPACTION AND/OR ASCENDING AORTA DILATION; SINUS BRADYCARDIA SYNDROME, FAMILIAL, AUTOSOMAL DOMINANT; SINUS NODE DISEASE, FAMILIAL, AUTOSOMAL DOMINANT. Identifiers: Orphanet 166282, MedGen C1834144, MONDO:0008102, OMIM 163800.

Allele frequency attached by ClinVar (database versions not stated): ExAC below 0.00001; gnomAD 0.00001; gnomAD exomes 0.00001.
gnomAD v4.1: 9 of 1,436,630 alleles (0.00063%); highest among the groups gnomAD compares: Admixed American, 0.0028%; no homozygotes.

Submissions (2):

Labcorp Genetics (formerly Invitae), Labcorp
Classification: Uncertain significance for Brugada syndrome 8. Last evaluated: 2025-08-16. Review status: criteria provided, single submitter. Criteria: Invitae Variant Classification Sherloc (09022015). Collection method: clinical testing. Allele origin: germline.
Comment: This sequence change replaces arginine, which is basic and polar, with histidine, which is basic and polar, at codon 1068 of the HCN4 protein (p.Arg1068His). This variant is present in population databases (rs776270218, gnomAD 0.002%). This variant has not been reported in the literature in individuals affected with HCN4-related conditions. ClinVar contains an entry for this variant (Variation ID: 663635). Invitae Evidence Modeling of protein sequence and biophysical properties (such as structural, functional, and spatial information, amino acid conservation, physicochemical variation, residue mobility, and thermodynamic stability) indicates that this missense variant is not expected to disrupt HCN4 protein function with a negative predictive value of 95%. Experimental studies have shown that this missense change does not substantially affect HCN4 function (PMID: 24607718). In summary, the available evidence is currently insufficient to determine the role of this variant in disease. Therefore, it has been classified as a Variant of Uncertain Significance.

Fulgent Genetics
Classification: Uncertain significance for Sick sinus syndrome 2, autosomal dominant; Brugada syndrome 8; Epilepsy, idiopathic generalized, susceptibility to, 18. Last evaluated: 2021-08-12. Review status: criteria provided, single submitter. Criteria: ACMG Guidelines, 2015. Collection method: clinical testing. Allele origin: unknown.

Literature cited by the submitters: PubMed 24607718 (cited by Labcorp Genetics (formerly Invitae), Labcorp).

NM_005477.3(HCN4):c.3203G>A (p.Arg1068His)

Gene: HCN4 (hyperpolarization activated cyclic nucleotide gated potassium channel 4; minus strand). Cytogenetic location: 15q24.1.
Variant type: single nucleotide variant.
Coding change: c.3203G>A on transcript NM_005477.3 (MANE Select); coding-DNA position 3203, G replaced by A.
Protein change: p.Arg1068His; replaces arginine 1068 with histidine.
Molecular consequence: missense variant.
Genome position (GRCh38, 1-based): chr15:73,322,890, C>T on the plus strand (G>A on the coding strand, the complement: HCN4 is on the minus strand). VCF-style: chr15-73322890-C-T. GRCh37 (hg19) VCF-style: chr15-73615231-C-T.
Other names: short protein forms R1068H.
Identifiers: ClinVar variation 663635 (VCV000663635.9), dbSNP rs776270218, ClinGen allele CA7648871.